The following is an entry in ClinVar:

ClinVar aggregate classification (germline): Pathogenic. Review status: criteria provided, multiple submitters, no conflicts (2 of 4 stars). 5 submissions from 5 submitters: Pathogenic (4). 1 of the submissions does not count toward it. Last evaluated 2025-06-25.

Conditions:
Severe X-linked myotubular myopathy (CNMX). Also called: MYOTUBULAR MYOPATHY 1; X-linked centronuclear myopathy; Myotubular myopathy, X-linked. Identifiers: Orphanet 596, MedGen C0410203, MONDO:0010683, OMIM 310400.

Submissions (5):

GeneDx
Classification: Pathogenic. Last evaluated: 2025-06-25. Review status: criteria provided, single submitter. Criteria: GeneDx Variant Classification Process June 2021. Collection method: clinical testing. Allele origin: germline. Affected: yes.
Comment: Nonsense variant predicted to result in protein truncation or nonsense mediated decay in a gene for which loss of function is a known mechanism of disease; Not observed at significant frequency in large population cohorts (gnomAD); This variant is associated with the following publications: (PMID: 12522554, 25525159, 26338224, 9305655, 15725586, 22264517, 32906206, Wang2024[CaseReport], 38028619)

Labcorp Genetics (formerly Invitae), Labcorp
Classification: Pathogenic for Severe X-linked myotubular myopathy. Last evaluated: 2024-08-08. Review status: criteria provided, single submitter. Criteria: Invitae Variant Classification Sherloc (09022015). Collection method: clinical testing. Allele origin: germline.
Comment: This sequence change creates a premature translational stop signal (p.Arg222*) in the MTM1 gene. It is expected to result in an absent or disrupted protein product. Loss-of-function variants in MTM1 are known to be pathogenic (PMID: 9305655, 10063835). This variant is not present in population databases (gnomAD no frequency). This premature translational stop signal has been observed in individuals with myotubular myopathy (PMID: 9305655, 12522554, 26338224). ClinVar contains an entry for this variant (Variation ID: 158994). For these reasons, this variant has been classified as Pathogenic.

Division of Human Genetics, National Health Laboratory Service/University of the Witwatersrand
Classification: Pathogenic for Severe X-linked myotubular myopathy. Last evaluated: 2023-07-01. Review status: criteria provided, single submitter. Criteria: ACMG Guidelines, 2015. Collection method: research. Allele origin: germline. Affected: yes.

Genetic Services Laboratory, University of Chicago
Classification: Pathogenic for Myotubular myopathy, X-linked. Last evaluated: 2013-02-08. Review status: criteria provided, single submitter. Criteria: ACMG Guidelines, 2007. Collection method: clinical testing. Allele origin: germline. Inheritance: X-linked inheritance. Affected: yes.

Clinical Molecular Genetics Laboratory, Johns Hopkins All Children's Hospital
Classification: Pathogenic for Severe X-linked myotubular myopathy. Last evaluated: 2009-11-24. Review status: no assertion criteria provided. Collection method: clinical testing. Allele origin: germline. Affected: yes. Not counted in ClinVar's aggregate classification.

Literature cited by the submitters: PubMed 9305655 (cited by Labcorp Genetics (formerly Invitae), Labcorp); PubMed 10063835 (cited by Labcorp Genetics (formerly Invitae), Labcorp); PubMed 12522554 (cited by Labcorp Genetics (formerly Invitae), Labcorp); PubMed 26338224 (cited by Labcorp Genetics (formerly Invitae), Labcorp).

NM_000252.3(MTM1):c.664C>T (p.Arg222Ter)

Gene: MTM1 (myotubularin 1; plus strand). Cytogenetic location: Xq28.
Variant type: single nucleotide variant.
Coding change: c.664C>T on transcript NM_000252.3 (MANE Select); coding-DNA position 664, C replaced by T.
Protein change: p.Arg222Ter; replaces arginine 222 with a stop codon.
Molecular consequence: nonsense.
Genome position (GRCh38, 1-based): chrX:150,641,404, C>T. VCF-style: chrX-150641404-C-T. GRCh37 (hg19) VCF-style: chrX-149809877-C-T.
Other names: c.664C>T, p.Arg222Ter (NM_001376906.1, NM_001376908.1); c.553C>T, p.Arg185Ter (NM_001376907.1); short protein forms R222*, R185*.
Identifiers: ClinVar variation 158994 (VCV000158994.21), dbSNP rs587783847, ClinGen allele CA271920.